The following is an entry in ClinVar:

NM_018718.3(CEP41):c.98-5045A>G

Gene: CEP41 (centrosomal protein 41; minus strand). Cytogenetic location: 7q32.2.
Variant type: single nucleotide variant.
Coding change: c.98-5045A>G on transcript NM_018718.3 (MANE Select); 5045 bases into the intron before coding-DNA position 98, A replaced by G.
Molecular consequence: intron variant.
Genome position (GRCh38, 1-based): chr7:130,422,011, T>C on the plus strand (A>G on the coding strand, the complement: CEP41 is on the minus strand). VCF-style: chr7-130422011-T-C. GRCh37 (hg19) VCF-style: chr7-130061852-T-C.
Other names: c.97+5944A>G (NM_001257159.2); c.98-5045A>G (NM_001257158.2); c.98-4A>G (NM_001257160.2).
Identifiers: ClinVar variation 3055731 (VCV003055731.3), dbSNP rs180732834, ClinGen allele CA4485699.

ClinVar aggregate classification (germline): Likely benign. Review status: criteria provided, single submitter (1 of 4 stars). 2 submissions from 2 submitters: Likely benign (1). 1 of the submissions does not count toward it. Last evaluated 2024-10-18.

Conditions:
CEP41-related disorder. Also called: CEP41-related condition.

Allele frequency attached by ClinVar (database versions not stated): ExAC 0.00007; gnomAD exomes 0.00011; 1000 Genomes Project 0.00120; gnomAD 0.00123; 1000 Genomes Project 30x 0.00125; TOPMed 0.00136.
gnomAD v4.1: 355 of 1,535,914 alleles (0.023%); highest among the groups gnomAD compares: African/African-American, 0.41%; 3 homozygotes.

Submissions (2):

Blueprint Genetics
Classification: Likely benign. Last evaluated: 2024-10-18. Review status: criteria provided, single submitter. Criteria: ACMG Guidelines, 2015. Collection method: clinical testing. Allele origin: germline.

PreventionGenetics, part of Exact Sciences
Classification: Likely benign for CEP41-related condition. Last evaluated: 2019-11-05. Review status: no assertion criteria provided. Collection method: clinical testing. Allele origin: germline. Not counted in ClinVar's aggregate classification.
Comment: This variant is classified as likely benign based on ACMG/AMP sequence variant interpretation guidelines (Richards et al. 2015 PMID: 25741868, with internal and published modifications).